The following is an entry in ClinVar:

NM_001036.6(RYR3):c.8539A>G (p.Thr2847Ala)

Gene: RYR3 (ryanodine receptor 3; plus strand). Cytogenetic location: 15q14.
Variant type: single nucleotide variant.
Coding change: c.8539A>G on transcript NM_001036.6 (MANE Select); coding-DNA position 8539, A replaced by G.
Protein change: p.Thr2847Ala; replaces threonine 2847 with alanine.
Molecular consequence: missense variant.
Genome position (GRCh38, 1-based): chr15:33,756,329, A>G. VCF-style: chr15-33756329-A-G. GRCh37 (hg19) VCF-style: chr15-34048530-A-G.
Other names: c.8539A>G, p.Thr2847Ala (NM_001243996.4); short protein forms T2847A.
Identifiers: ClinVar variation 660534 (VCV000660534.10), dbSNP rs766762265, ClinGen allele CA7460245.

ClinVar aggregate classification (germline): Uncertain significance (1 of 4 stars; one submission).

Conditions:
Epileptic encephalopathy. Identifiers: MedGen C0543888, HP:0200134.

Allele frequency attached by ClinVar (database versions not stated): gnomAD 0.00004 and 0.00005; gnomAD exomes 0.00006 and 0.00014; TOPMed 0.00007; ExAC 0.00021.
gnomAD v4.1: 97 of 1,581,518 alleles (0.0061%); highest among the groups gnomAD compares: East Asian, 0.17%; no homozygotes.

Submission:

Labcorp Genetics (formerly Invitae), Labcorp
Classification: Uncertain significance for Epileptic encephalopathy. Last evaluated: 2023-10-03. Review status: criteria provided, single submitter. Criteria: Invitae Variant Classification Sherloc (09022015). Collection method: clinical testing. Allele origin: germline.
Comment: This sequence change replaces threonine, which is neutral and polar, with alanine, which is neutral and non-polar, at codon 2847 of the RYR3 protein (p.Thr2847Ala). This variant is present in population databases (rs766762265, gnomAD 0.2%), and has an allele count higher than expected for a pathogenic variant. This variant has not been reported in the literature in individuals affected with RYR3-related conditions. ClinVar contains an entry for this variant (Variation ID: 660534). Advanced modeling of protein sequence and biophysical properties (such as structural, functional, and spatial information, amino acid conservation, physicochemical variation, residue mobility, and thermodynamic stability) performed at Invitae indicates that this missense variant is not expected to disrupt RYR3 protein function. In summary, the available evidence is currently insufficient to determine the role of this variant in disease. Therefore, it has been classified as a Variant of Uncertain Significance.